The following is an entry in ClinVar:

NM_212482.4(FN1):c.755G>A (p.Arg252Gln)

Gene: FN1 (fibronectin 1; minus strand). Cytogenetic location: 2q35.
Variant type: single nucleotide variant.
Coding change: c.755G>A on transcript NM_212482.4 (MANE Select); coding-DNA position 755, G replaced by A.
Protein change: p.Arg252Gln; replaces arginine 252 with glutamine.
Molecular consequence: missense variant.
Genome position (GRCh38, 1-based): chr2:215,428,269, C>T on the plus strand (G>A on the coding strand, the complement: FN1 is on the minus strand). VCF-style: chr2-215428269-C-T. GRCh37 (hg19) VCF-style: chr2-216292992-C-T.
Other names: c.755G>A, p.Arg252Gln (NM_001306129.2, NM_001306130.2, NM_001306131.2 and 14 more transcripts); short protein forms R252Q.
Identifiers: ClinVar variation 1369920 (VCV001369920.8), dbSNP rs768600288, ClinGen allele CA2095475.

ClinVar aggregate classification (germline): Uncertain significance (1 of 4 stars; one submission).

Allele frequency attached by ClinVar (database versions not stated): gnomAD exomes below 0.00001 and 0.00001; ExAC 0.00001; gnomAD 0.00001; TOPMed 0.00002.
gnomAD v4.1: 6 of 1,614,032 alleles (0.00037%); highest among the groups gnomAD compares: East Asian, 0.0022%; no homozygotes.

Submission:

Labcorp Genetics (formerly Invitae), Labcorp
Classification: Uncertain significance. Last evaluated: 2022-11-11. Review status: criteria provided, single submitter. Criteria: Invitae Variant Classification Sherloc (09022015). Collection method: clinical testing. Allele origin: germline.
Comment: This sequence change replaces arginine, which is basic and polar, with glutamine, which is neutral and polar, at codon 252 of the FN1 protein (p.Arg252Gln). This variant is present in population databases (rs768600288, gnomAD 0.006%). This variant has not been reported in the literature in individuals affected with FN1-related conditions. ClinVar contains an entry for this variant (Variation ID: 1369920). Advanced modeling of protein sequence and biophysical properties (such as structural, functional, and spatial information, amino acid conservation, physicochemical variation, residue mobility, and thermodynamic stability) performed at Invitae indicates that this missense variant is not expected to disrupt FN1 protein function. In summary, the available evidence is currently insufficient to determine the role of this variant in disease. Therefore, it has been classified as a Variant of Uncertain Significance.